The following is an entry in ClinVar:

NM_001349253.2(SCN11A):c.3392T>C (p.Ile1131Thr)

Gene: SCN11A (sodium voltage-gated channel alpha subunit 11; minus strand). Cytogenetic location: 3p22.2.
Variant type: single nucleotide variant.
Coding change: c.3392T>C on transcript NM_001349253.2 (MANE Select); coding-DNA position 3392, T replaced by C.
Protein change: p.Ile1131Thr; replaces isoleucine 1131 with threonine.
Molecular consequence: missense variant.
Genome position (GRCh38, 1-based): chr3:38,879,951, A>G on the plus strand (T>C on the coding strand, the complement: SCN11A is on the minus strand). VCF-style: chr3-38879951-A-G. GRCh37 (hg19) VCF-style: chr3-38921442-A-G.
Other names: c.3392T>C, p.Ile1131Thr (NM_014139.3); short protein forms I1131T.
Identifiers: ClinVar variation 4994409 (VCV004994409.1).

ClinVar aggregate classification (germline): Uncertain significance (1 of 4 stars; one submission).

Conditions:
SCN11A-related disorder. Also called: SCN11A-related condition.

gnomAD v4.1: 8 of 1,611,924 alleles (0.0005%); highest among the groups gnomAD compares: Non-Finnish European, 0.00068%; no homozygotes.

Submission:

PreventionGenetics, part of Exact Sciences
Classification: Uncertain significance for SCN11A-related condition. Last evaluated: 2026-05-31. Review status: criteria provided, single submitter. Criteria: ACMG Guidelines, 2015. Collection method: clinical testing. Allele origin: germline.
Comment: The SCN11A c.3392T>C variant is predicted to result in the amino acid substitution p.Ile1131Thr. To our knowledge, this variant has not been reported in the literature or in a large population database (gnomAD), indicating this variant is rare. At this time, the clinical significance of this variant is uncertain due to the absence of conclusive functional and genetic evidence.